The following is an entry in ClinVar:

ClinVar aggregate classification (germline): Benign. Review status: criteria provided, multiple submitters, no conflicts (2 of 4 stars). 2 submissions from 2 submitters: Benign (2). Last evaluated 2018-06-19.

Allele frequency attached by ClinVar (database versions not stated): ExAC 0.10143; gnomAD exomes 0.11751 and 0.15840; gnomAD 0.20694 and 0.21679; TOPMed 0.20962; 1000 Genomes Project 0.15775; 1000 Genomes Project 30x 0.16646.
gnomAD v4.1: 247,031 of 1,518,864 alleles (16%); highest among the groups gnomAD compares: African/African-American, 37%; 23,732 homozygotes.

Submissions (2):

GeneDx
Classification: Benign. Last evaluated: 2018-06-19. Review status: criteria provided, single submitter. Criteria: GeneDx Variant Classification (06012015). Collection method: clinical testing. Allele origin: germline. Affected: yes.
Comment: This variant is considered likely benign or benign based on one or more of the following criteria: it is a conservative change, it occurs at a poorly conserved position in the protein, it is predicted to be benign by multiple in silico algorithms, and/or has population frequency not consistent with disease.

Breakthrough Genomics
Classification: Benign. Review status: criteria provided, single submitter. Criteria: ACMG Guidelines, 2015. Collection method: not provided. Allele origin: germline. Inheritance: Autosomal dominant inheritance. Affected: yes.

NM_144670.6(A2ML1):c.1477-197G>T

Gene: A2ML1 (alpha-2-macroglobulin like 1; plus strand). Cytogenetic location: 12p13.31.
Variant type: single nucleotide variant.
Coding change: c.1477-197G>T on transcript NM_144670.6 (MANE Select); 197 bases into the intron before coding-DNA position 1477, G replaced by T.
Molecular consequence: intron variant.
Genome position (GRCh38, 1-based): chr12:8,845,245, G>T. VCF-style: chr12-8845245-G-T. GRCh37 (hg19) VCF-style: chr12-8997841-G-T.
Other names: c.3+71G>T (NM_001282424.3).
Identifiers: ClinVar variation 561532 (VCV000561532.2), dbSNP rs7300139, ClinGen allele CA6435685.
Genomic context (GRCh38, chr12:8,845,245, plus strand): 5'-ATTTCTATGCTGTCAGACTCCTCCCATCCACCTGCGTGGTTCTCAGCCAGACCTCCAACT[G>T]CAGGAGGAGCCACCAGGACCCGTTGGCAGCATCCTGCATTTGTCAAGCTAGTGGATGCTG-3'